The following is an entry in ClinVar:

ClinVar aggregate classification (germline): Uncertain significance (1 of 4 stars; one submission).

Conditions:
Early-infantile DEE. Also called: Early infantile epileptic encephalopathy with suppression bursts; Early infantile epileptic encephalopathy; Ohtahara syndrome. Identifiers: Orphanet 1934, MedGen C0393706, MONDO:0800491.

Allele frequency attached by ClinVar (database versions not stated): gnomAD exomes below 0.00001; gnomAD 0.00001; TOPMed 0.00001.
gnomAD v4.1: 3 of 1,595,172 alleles (0.00019%); highest among the groups gnomAD compares: Non-Finnish European, 0.00025%; no homozygotes.

Submission:

Labcorp Genetics (formerly Invitae), Labcorp
Classification: Uncertain significance for Early-infantile DEE. Last evaluated: 2024-10-04. Review status: criteria provided, single submitter. Criteria: Invitae Variant Classification Sherloc (09022015). Collection method: clinical testing. Allele origin: germline.
Comment: This sequence change replaces glutamic acid, which is acidic and polar, with valine, which is neutral and non-polar, at codon 654 of the KCNQ2 protein (p.Glu654Val). This variant is not present in population databases (gnomAD no frequency). This variant has not been reported in the literature in individuals affected with KCNQ2-related conditions. ClinVar contains an entry for this variant (Variation ID: 2066542). Invitae Evidence Modeling of protein sequence and biophysical properties (such as structural, functional, and spatial information, amino acid conservation, physicochemical variation, residue mobility, and thermodynamic stability) has been performed for this missense variant. However, the output from this modeling did not meet the statistical confidence thresholds required to predict the impact of this variant on KCNQ2 protein function. In summary, the available evidence is currently insufficient to determine the role of this variant in disease. Therefore, it has been classified as a Variant of Uncertain Significance.

NM_172107.4(KCNQ2):c.1961A>T (p.Glu654Val)

Gene: KCNQ2 (potassium voltage-gated channel subfamily Q member 2; minus strand). Cytogenetic location: 20q13.33.
Variant type: single nucleotide variant.
Coding change: c.1961A>T on transcript NM_172107.4 (MANE Select); coding-DNA position 1961, A replaced by T.
Protein change: p.Glu654Val; replaces glutamic acid 654 with valine.
Molecular consequence: missense variant.
Genome position (GRCh38, 1-based): chr20:63,407,302, T>A on the plus strand (A>T on the coding strand, the complement: KCNQ2 is on the minus strand). VCF-style: chr20-63407302-T-A. GRCh37 (hg19) VCF-style: chr20-62038655-T-A.
Other names: c.2015A>T, p.Glu672Val (NM_001382235.1); c.1877A>T, p.Glu626Val (NM_004518.6); c.1907A>T, p.Glu636Val (NM_172106.3); c.1868A>T, p.Glu623Val (NM_172108.5); short protein forms E623V, E654V, E636V, E626V, E672V.
Identifiers: ClinVar variation 2066542 (VCV002066542.4), dbSNP rs1372028689, ClinGen allele CA409639330.